The following is an entry in ClinVar:

NM_016151.4(TAOK2):c.2324C>T (p.Pro775Leu)

Gene: TAOK2 (TAO kinase 2; plus strand). Cytogenetic location: 16p11.2.
Variant type: single nucleotide variant.
Coding change: c.2324C>T on transcript NM_016151.4 (MANE Select); coding-DNA position 2324, C replaced by T.
Protein change: p.Pro775Leu; replaces proline 775 with leucine.
Molecular consequence: missense variant. On other transcripts: intron variant (2).
Genome position (GRCh38, 1-based): chr16:29,986,596, C>T. VCF-style: chr16-29986596-C-T. GRCh37 (hg19) VCF-style: chr16-29997917-C-T.
Other names: c.2232+92C>T (NM_004783.4, NM_001252043.2); c.2324C>T (NM_016151.2); short protein forms P775L.
Identifiers: ClinVar variation 2870763 (VCV002870763.4), dbSNP rs2543662266, ClinGen allele CA395490839.
Genomic context (GRCh38, chr16:29,986,596, plus strand): 5'-CACTCCCCATTCCTGGGGCTCTGGGCCCACCCAACACAGGCACCCCTATAGAACAGCAGC[C>T]CTGCTCACCTGGCCAGGAGGCAGTCCTGGACCAAAGAATGCTTGGCGAGGAGGAGGAAGC-3'
Protein context (NP_057235.2, residues 765-785): PNTGTPIEQQ[Pro775Leu]CSPGQEAVLD

ClinVar aggregate classification (germline): Uncertain significance. Review status: criteria provided, multiple submitters, no conflicts (2 of 4 stars). 2 submissions from 2 submitters: Uncertain significance (2). Last evaluated 2025-09-10.

Submissions (2):

Ambry Genetics
Classification: Uncertain significance. Last evaluated: 2025-09-10. Review status: criteria provided, single submitter. Criteria: Ambry Variant Classification Scheme 2023. Collection method: clinical testing. Allele origin: germline.

Labcorp Genetics (formerly Invitae), Labcorp
Classification: Uncertain significance. Last evaluated: 2023-12-10. Review status: criteria provided, single submitter. Criteria: Invitae Variant Classification Sherloc (09022015). Collection method: clinical testing. Allele origin: germline.
Comment: This sequence change replaces proline, which is neutral and non-polar, with leucine, which is neutral and non-polar, at codon 775 of the TAOK2 protein (p.Pro775Leu). This variant is not present in population databases (gnomAD no frequency). This variant has not been reported in the literature in individuals affected with TAOK2-related conditions. An algorithm developed to predict the effect of missense changes on protein structure and function (PolyPhen-2) suggests that this variant is likely to be tolerated. In summary, the available evidence is currently insufficient to determine the role of this variant in disease. Therefore, it has been classified as a Variant of Uncertain Significance.